The following is an entry in ClinVar:

NM_003124.5(SPR):c.512G>A (p.Cys171Tyr)

Gene: SPR (sepiapterin reductase; plus strand). Cytogenetic location: 2p13.2.
Variant type: single nucleotide variant.
Coding change: c.512G>A on transcript NM_003124.5 (MANE Select); coding-DNA position 512, G replaced by A.
Protein change: p.Cys171Tyr; replaces cysteine 171 with tyrosine.
Molecular consequence: missense variant.
Genome position (GRCh38, 1-based): chr2:72,888,521, G>A. VCF-style: chr2-72888521-G-A. GRCh37 (hg19) VCF-style: chr2-73115650-G-A.
Other names: short protein forms C171Y.
Identifiers: ClinVar variation 1162323 (VCV001162323.4), dbSNP rs1670576656, ClinGen allele CA347231920.

ClinVar aggregate classification (germline): Likely pathogenic. Review status: criteria provided, multiple submitters, no conflicts (2 of 4 stars). 2 submissions from 2 submitters: Likely pathogenic (2). Last evaluated 2023-10-28.

Conditions:
Dystonic disorder. Also called: Dystonia. Identifiers: MedGen C0013421, MONDO:0003441, HP:0001332.
Dopa-responsive dystonia due to sepiapterin reductase deficiency. Also called: Sepiapterin reductase deficiency; SPR DEFICIENCY; DYT-SPR. Identifiers: Orphanet 70594, MedGen C0268468, MONDO:0012994, OMIM 612716.

Allele frequency attached by ClinVar (database versions not stated): gnomAD exomes 0.00001.
gnomAD v4.1: 5 of 1,608,632 alleles (0.00031%); highest among the groups gnomAD compares: East Asian, 0.0089%; no homozygotes.

Submissions (2):

Labcorp Genetics (formerly Invitae), Labcorp
Classification: Likely pathogenic for Dystonic disorder. Last evaluated: 2023-10-28. Review status: criteria provided, single submitter. Criteria: Invitae Variant Classification Sherloc (09022015). Collection method: clinical testing. Allele origin: germline.
Comment: This sequence change replaces cysteine, which is neutral and slightly polar, with tyrosine, which is neutral and polar, at codon 171 of the SPR protein (p.Cys171Tyr). This variant is not present in population databases (gnomAD no frequency). This missense change has been observed in individuals with tetrahydrobiopterin (BH4)-deficient hyperphenylalaninemia (PMID: 35926683). It has also been observed to segregate with disease in related individuals. ClinVar contains an entry for this variant (Variation ID: 1162323). Advanced modeling of protein sequence and biophysical properties (such as structural, functional, and spatial information, amino acid conservation, physicochemical variation, residue mobility, and thermodynamic stability) performed at Invitae indicates that this missense variant is expected to disrupt SPR protein function with a positive predictive value of 80%. In summary, the currently available evidence indicates that the variant is pathogenic, but additional data are needed to prove that conclusively. Therefore, this variant has been classified as Likely Pathogenic.

Department of Pediatrics, The University of Tokyo
Classification: Likely pathogenic for Dopa-responsive dystonia due to sepiapterin reductase deficiency. Last evaluated: 2021-05-27. Review status: criteria provided, single submitter. Criteria: ACMG Guidelines, 2015. Collection method: clinical testing. Allele origin: inherited. Affected: yes. Observed: 1 compound heterozygote. Segregation with disease not observed.

Literature cited by the submitters: PubMed 35926683 (cited by Labcorp Genetics (formerly Invitae), Labcorp).